The following is an entry in ClinVar:

ClinVar aggregate classification (germline): Pathogenic (1 of 4 stars; one submission).

Submission:

Labcorp Genetics (formerly Invitae), Labcorp
Classification: Pathogenic. Last evaluated: 2023-03-17. Review status: criteria provided, single submitter. Criteria: Invitae Variant Classification Sherloc (09022015). Collection method: clinical testing. Allele origin: germline.
Comment: This sequence change creates a premature translational stop signal (p.Gly150*) in the ABCA4 gene. It is expected to result in an absent or disrupted protein product. Loss-of-function variants in ABCA4 are known to be pathogenic (PMID: 10958761, 24938718, 25312043, 26780318). This variant is not present in population databases (gnomAD no frequency). For these reasons, this variant has been classified as Pathogenic. ClinVar contains an entry for this variant (Variation ID: 2003312). This variant has not been reported in the literature in individuals affected with ABCA4-related conditions.

Literature cited by the submitters: PubMed 10958761; PubMed 24938718; PubMed 25312043; PubMed 26780318.

NM_000350.3(ABCA4):c.448G>T (p.Gly150Ter)

Gene: ABCA4 (ATP binding cassette subfamily A member 4; minus strand). Cytogenetic location: 1p22.1.
Variant type: single nucleotide variant.
Coding change: c.448G>T on transcript NM_000350.3 (MANE Select); coding-DNA position 448, G replaced by T.
Protein change: p.Gly150Ter; replaces glycine 150 with a stop codon.
Molecular consequence: nonsense.
Genome position (GRCh38, 1-based): chr1:94,103,137, C>A on the plus strand (G>T on the coding strand, the complement: ABCA4 is on the minus strand). VCF-style: chr1-94103137-C-A. GRCh37 (hg19) VCF-style: chr1-94568693-C-A.
Other names: c.448G>T, p.Gly150Ter (NM_001425324.1); short protein forms G150*.
Identifiers: ClinVar variation 2003312 (VCV002003312.4), dbSNP rs1570426448, ClinGen allele CA341291439.
Genomic context (GRCh38, chr1:94,103,137, plus strand): 5'-TTTTAATGAGAAATAGTGTCAGTGTTTCTTCATCTTTCAAGATATCCCTTATTCGTATTC[C>A]TCTTCCTACATATGAATAAGAGAAAGAACAGGGTGTTGAAGGGGAAATGGGTCAAAAAAA-3'